The following is an entry in ClinVar:

NM_000543.5(SMPD1):c.168_169del (p.Trp56fs)

Gene: SMPD1 (sphingomyelin phosphodiesterase 1; plus strand). Cytogenetic location: 11p15.4.
Variant type: Deletion.
Coding change: c.168_169del on transcript NM_000543.5 (MANE Select); coding-DNA positions 168 to 169, 2 bases deleted (GG; older notation c.168_169delGG).
Protein change: p.Trp56fs; shifts the reading frame from tryptophan 56.
Molecular consequence: frameshift variant. On other transcripts: non-coding transcript variant (2), 5 prime UTR variant (1).
Genome position (GRCh38, 1-based): chr11:6,390,766-6,390,767, GG deleted; deleting any 2 consecutive bases within chr11:6,390,765-6,390,767 gives the same sequence; the c. name uses the placement nearest the transcript's 3' end. VCF-style (leftmost placement, unchanged base first): chr11-6390764-TGG-T. GRCh37 (hg19) VCF-style: chr11-6411994-TGG-T.
Other names: c.168_169del, p.Trp56fs (NM_001007593.3, NM_001318087.2, NM_001365135.2); c.-794_-793del (NM_001318088.2); short protein forms W56fs.
Identifiers: ClinVar variation 1725349 (VCV001725349.3), dbSNP rs2493800139, ClinGen allele CA2580083936.
Genomic context (GRCh38, chr11:6,390,764, plus strand): 5'-GTGCTGGCGCTGGCGCTGGCGCTGGCGCTGGCGCTGGCTCTGTCTGACTCTCGGGTTCTC[TGG>T]GCTCCGGCAGAGGCTCACCCTCTTTCTCCCCAAGGCCATCCTGCCAGGTTACATCGCATA-3'

ClinVar aggregate classification (germline): Likely pathogenic (1 of 4 stars; one submission).

Conditions:
Acid sphingomyelinase deficiency. Identifiers: Orphanet 618899, MedGen C5243927, MONDO:0100464.

Submission:

Myriad Genetics, Inc.
Classification: Likely pathogenic for Acid sphingomyelinase deficiency. Last evaluated: 2022-03-17. Review status: criteria provided, single submitter. Criteria: Myriad Autosomal Dominant, Autosomal Recessive and X-Linked Classification Criteria (2023). Collection method: clinical testing. Allele origin: unknown.
Comment: NM_000543.4(SMPD1):c.168_169delGG(W56Cfs*85) is expected to be pathogenic in the context of Niemann-Pick disease, SMPD1-related. This variant is predicted to lead to an abnormal or absent protein product due to the creation of a premature termination codon in SMPD1, a gene where loss-of-function variants are known to be pathogenic. Please note: this variant was assessed in the context of healthy population screening.